The following is an entry in ClinVar:

ClinVar aggregate classification (germline): Uncertain significance (1 of 4 stars; one submission).

Conditions:
Usher syndrome type 3B. Also called: USHER SYNDROME, TYPE IIIB. Identifiers: MedGen C3281066, MONDO:0013788, OMIM 614504.

Submission:

Labcorp Genetics (formerly Invitae), Labcorp
Classification: Uncertain significance for Usher syndrome type 3B. Last evaluated: 2022-11-12. Review status: criteria provided, single submitter. Criteria: Invitae Variant Classification Sherloc (09022015). Collection method: clinical testing. Allele origin: unknown.
Comment: In summary, the available evidence is currently insufficient to determine the role of this variant in disease. Therefore, it has been classified as a Variant of Uncertain Significance. Experimental studies and prediction algorithms are not available or were not evaluated, and the functional significance of this variant is currently unknown. This variant has not been reported in the literature in individuals affected with HARS-related conditions. This variant is a gross deletion of the genomic region encompassing exon(s) 4-10 of the HARS gene. This variant would be expected to be in-frame, preserving the integrity of the reading frame.

NC_000005.9:g.(?_140056219)_(140059488_?)del

Gene: HARS1 (histidyl-tRNA synthetase 1; minus strand). Cytogenetic location: 5q31.3.
Variant type: Deletion.
Identifiers: ClinVar variation 3246404 (VCV003246404.1).